The following is an entry in ClinVar:

NM_000133.4(F9):c.1303T>C (p.Cys435Arg)

Gene: F9 (coagulation factor IX; plus strand). Cytogenetic location: Xq27.1.
Variant type: single nucleotide variant.
Coding change: c.1303T>C on transcript NM_000133.4 (MANE Select); coding-DNA position 1303, T replaced by C.
Protein change: p.Cys435Arg; replaces cysteine 435 with arginine.
Molecular consequence: missense variant.
Genome position (GRCh38, 1-based): chrX:139,561,988, T>C. VCF-style: chrX-139561988-T-C. GRCh37 (hg19) VCF-style: chrX-138644147-T-C.
Other names: NM_001313913.2:c.1189T>C; c.1189T>C, p.Cys397Arg (NM_001313913.2); short protein forms C397R, C435R.
Identifiers: ClinVar variation 3242387 (VCV003242387.1), dbSNP rs2520848336.
Genomic context (GRCh38, chrX:139,561,988, plus strand): 5'-CATGTTACTGAAGTGGAAGGGACCAGTTTCTTAACTGGAATTATTAGCTGGGGTGAAGAG[T>C]GTGCAATGAAAGGCAAATATGGAATATATACCAAGGTATCCCGGTATGTCAACTGGATTA-3'
Protein context (NP_000124.1, residues 425-445): LTGIISWGEE[Cys435Arg]AMKGKYGIYT

ClinVar aggregate classification (germline): Uncertain significance (3 of 4 stars; one submission).

Conditions:
Hereditary factor IX deficiency disease (HEMB). Also called: F9 DEFICIENCY; FACTOR IX DEFICIENCY; PLASMA THROMBOPLASTIN COMPONENT DEFICIENCY; Hemophilia B; Christmas Disease. Identifiers: Orphanet 98879, MedGen C0008533, MeSH D002836, MONDO:0010604, OMIM 306900.

Submission:

ClinGen Coagulation Factor Deficiency Variant Curation Expert Panel, Clingen
Classification: Uncertain significance for Hereditary factor IX deficiency disease. Last evaluated: 2024-05-09. Review status: reviewed by expert panel. Criteria: ClinGen CoagFactor ACMG Specifications F9 V1.0.0. Collection method: curation. Allele origin: germline. Inheritance: X-linked inheritance.
Comment: The NM_000133.4:c.1304G> variant in F9 is a missense variant predicted to cause substitution of Cys by Phe at amino acid 435 (p.Cys435Phe). This variant has been reported in 1 proband meeting F9 phenotype criteria (PS4_Supporting; PMID: 22544209). This variant is absent from gnomAD v2, v3 and v4 (PM2_Supporting). Another missense variant c.1304G>A (p.Cys435Tyr) in the same codon has been classified as pathogenic for hemophilia B by the ClinGen Coagulation Factor Deficiency VCEP (PM5). The computational predictor REVEL gives a score of 0.969, which is above the threshold of 0.6, evidence that correlates with impact to F9 function (PP3). In summary, this variant meets the criteria to be classified as a variant of uncertain significance for hemophilia B based on the ACMG/AMP criteria applied, as specified by the ClinGen Coagulation Factor Deficiency VCEP: PS4_Supporting, PM2_Supporting, PP3, PM5. (Version 1.0.0, 10/05/2023)